The following is an entry in ClinVar:

ClinVar aggregate classification (germline): Uncertain significance (1 of 4 stars; one submission).

Submission:

Labcorp Genetics (formerly Invitae), Labcorp
Classification: Uncertain significance. Last evaluated: 2025-08-29. Review status: criteria provided, single submitter. Criteria: Invitae Variant Classification Sherloc (09022015). Collection method: clinical testing. Allele origin: germline.
Comment: This sequence change replaces alanine, which is neutral and non-polar, with threonine, which is neutral and polar, at codon 261 of the FOXC2 protein (p.Ala261Thr). This variant is not present in population databases (gnomAD no frequency). This variant has not been reported in the literature in individuals affected with FOXC2-related conditions. An algorithm developed to predict the effect of missense changes on protein structure and function outputs the following: PolyPhen-2: "Benign". The threonine amino acid residue is found in multiple mammalian species, which suggests that this missense change does not adversely affect protein function. In summary, the available evidence is currently insufficient to determine the role of this variant in disease. Therefore, it has been classified as a Variant of Uncertain Significance.

NM_005251.3(FOXC2):c.781G>A (p.Ala261Thr)

Gene: FOXC2 (forkhead box C2; plus strand). Cytogenetic location: 16q24.1.
Variant type: single nucleotide variant.
Coding change: c.781G>A on transcript NM_005251.3 (MANE Select); coding-DNA position 781, G replaced by A.
Protein change: p.Ala261Thr; replaces alanine 261 with threonine.
Molecular consequence: missense variant.
Genome position (GRCh38, 1-based): chr16:86,568,116, G>A. VCF-style: chr16-86568116-G-A. GRCh37 (hg19) VCF-style: chr16-86601722-G-A.
Other names: short protein forms A261T.
Identifiers: ClinVar variation 4715962 (VCV004715962.1).
Genomic context (GRCh38, chr16:86,568,116, plus strand): 5'-CCGCGCAGCGCGGCCTCCACGCCCGCCGGCTCCCCCGACGGCTCGCTGCCGGAGCACCAC[G>A]CCGCGGCGCCCAACGGGCTGCCTGGCTTCAGCGTGGAGAACATCATGACCCTGCGAACGT-3'
Protein context (NP_005242.1, residues 251-271): SPDGSLPEHH[Ala261Thr]AAPNGLPGFS